The following is an entry in ClinVar:

ClinVar aggregate classification (germline): Uncertain significance (1 of 4 stars; one submission).

gnomAD v4.1: 1 of 1,613,254 alleles (0.000062%); no homozygotes.

Submission:

Labcorp Genetics (formerly Invitae), Labcorp
Classification: Uncertain significance. Last evaluated: 2022-07-09. Review status: criteria provided, single submitter. Criteria: Invitae Variant Classification Sherloc (09022015). Collection method: clinical testing. Allele origin: germline.
Comment: This sequence change replaces glycine, which is neutral and non-polar, with valine, which is neutral and non-polar, at codon 294 of the COL4A4 protein (p.Gly294Val). This variant is not present in population databases (gnomAD no frequency). This variant has not been reported in the literature in individuals affected with COL4A4-related conditions. Algorithms developed to predict the effect of missense changes on protein structure and function are either unavailable or do not agree on the potential impact of this missense change (SIFT: "Deleterious"; PolyPhen-2: "Probably Damaging"; Align-GVGD: "Class C0"). In summary, the available evidence is currently insufficient to determine the role of this variant in disease. Therefore, it has been classified as a Variant of Uncertain Significance.

NM_000092.5(COL4A4):c.881G>T (p.Gly294Val)

Gene: COL4A4 (collagen type IV alpha 4 chain; minus strand). Cytogenetic location: 2q36.3.
Variant type: single nucleotide variant.
Coding change: c.881G>T on transcript NM_000092.5 (MANE Select); coding-DNA position 881, G replaced by T.
Protein change: p.Gly294Val; replaces glycine 294 with valine.
Molecular consequence: missense variant.
Genome position (GRCh38, 1-based): chr2:227,102,838, C>A on the plus strand (G>T on the coding strand, the complement: COL4A4 is on the minus strand). VCF-style: chr2-227102838-C-A. GRCh37 (hg19) VCF-style: chr2-227967554-C-A.
Other names: short protein forms G294V.
Identifiers: ClinVar variation 1997046 (VCV001997046.1), dbSNP rs2150788315, ClinGen allele CA350857286.